The following is an entry in ClinVar:

ClinVar aggregate classification (germline): Uncertain significance (1 of 4 stars; one submission).

Allele frequency attached by ClinVar (database versions not stated): gnomAD 0.00001.
gnomAD v4.1: 1 of 1,612,680 alleles (0.000062%); highest among the groups gnomAD compares: African/African-American, 0.0013%; no homozygotes.

Submission:

Labcorp Genetics (formerly Invitae), Labcorp
Classification: Uncertain significance. Last evaluated: 2022-07-03. Review status: criteria provided, single submitter. Criteria: Invitae Variant Classification Sherloc (09022015). Collection method: clinical testing. Allele origin: germline.
Comment: In summary, the available evidence is currently insufficient to determine the role of this variant in disease. Therefore, it has been classified as a Variant of Uncertain Significance. Algorithms developed to predict the effect of missense changes on protein structure and function (SIFT, PolyPhen-2, Align-GVGD) all suggest that this variant is likely to be tolerated. This variant has not been reported in the literature in individuals affected with USH2A-related conditions. This variant is present in population databases (no rsID available, gnomAD 0.01%). This sequence change replaces glutamic acid, which is acidic and polar, with lysine, which is basic and polar, at codon 2391 of the USH2A protein (p.Glu2391Lys).

NM_206933.4(USH2A):c.7171G>A (p.Glu2391Lys)

Gene: USH2A (usherin; minus strand). Cytogenetic location: 1q41.
Variant type: single nucleotide variant.
Coding change: c.7171G>A on transcript NM_206933.4 (MANE Select); coding-DNA position 7171, G replaced by A.
Protein change: p.Glu2391Lys; replaces glutamic acid 2391 with lysine.
Molecular consequence: missense variant.
Genome position (GRCh38, 1-based): chr1:215,934,745, C>T on the plus strand (G>A on the coding strand, the complement: USH2A is on the minus strand). VCF-style: chr1-215934745-C-T. GRCh37 (hg19) VCF-style: chr1-216108087-C-T.
Other names: short protein forms E2391K.
Identifiers: ClinVar variation 1963226 (VCV001963226.5), dbSNP rs1238777269, ClinGen allele CA344857844.